The following is an entry in ClinVar:

NM_001130009.3(GEN1):c.1369C>T (p.Gln457Ter)

Gene: GEN1 (GEN1 structure-specific endonuclease; plus strand). Cytogenetic location: 2p24.2.
Variant type: single nucleotide variant.
Coding change: c.1369C>T on transcript NM_001130009.3 (MANE Select); coding-DNA position 1369, C replaced by T.
Protein change: p.Gln457Ter; replaces glutamine 457 with a stop codon.
Molecular consequence: nonsense.
Genome position (GRCh38, 1-based): chr2:17,780,082, C>T. VCF-style: chr2-17780082-C-T. GRCh37 (hg19) VCF-style: chr2-17961349-C-T.
Other names: c.1369C>T, p.Gln457Ter (NM_182625.5); short protein forms Q457*.
Identifiers: ClinVar variation 2888398 (VCV002888398.3), dbSNP rs1284406275, ClinGen allele CA345924015.

ClinVar aggregate classification (germline): Uncertain significance (1 of 4 stars; one submission).

Allele frequency attached by ClinVar (database versions not stated): gnomAD exomes below 0.00001; TOPMed 0.00004; gnomAD 0.00005.
gnomAD v4.1: 10 of 1,611,502 alleles (0.00062%); highest among the groups gnomAD compares: Admixed American, 0.017%; no homozygotes.

Submission:

Labcorp Genetics (formerly Invitae), Labcorp
Classification: Uncertain significance. Last evaluated: 2024-04-29. Review status: criteria provided, single submitter. Criteria: Invitae Variant Classification Sherloc (09022015). Collection method: clinical testing. Allele origin: germline.
Comment: This sequence change creates a premature translational stop signal (p.Gln457*) in the GEN1 gene. While this is not anticipated to result in nonsense mediated decay, it is expected to disrupt the last 452 amino acid(s) of the GEN1 protein. This variant is present in population databases (no rsID available, gnomAD 0.006%). This variant has not been reported in the literature in individuals affected with GEN1-related conditions. In summary, the available evidence is currently insufficient to determine the role of this variant in disease. Therefore, it has been classified as a Variant of Uncertain Significance.